The following is an entry in ClinVar:

NM_000202.8(IDS):c.253G>T (p.Ala85Ser)

Gene: IDS (iduronate 2-sulfatase; minus strand). Cytogenetic location: Xq28.
Variant type: single nucleotide variant.
Coding change: c.253G>T on transcript NM_000202.8 (MANE Select); coding-DNA position 253, G replaced by T.
Protein change: p.Ala85Ser; replaces alanine 85 with serine.
Molecular consequence: missense variant. On other transcripts: non-coding transcript variant (1), intron variant (1).
Genome position (GRCh38, 1-based): chrX:149,503,477, C>A on the plus strand (G>T on the coding strand, the complement: IDS is on the minus strand). VCF-style: chrX-149503477-C-A. GRCh37 (hg19) VCF-style: chrX-148585007-C-A.
Other names: c.253G>T, p.Ala85Ser (NM_006123.5); c.15-32G>T (NM_001166550.4); short protein forms A85S.
Identifiers: ClinVar variation 3255632 (VCV003255632.3).
Genomic context (GRCh38, chrX:149,503,477, plus strand): 5'-AGTCGTACAGGCGGGTGGTGTCAGGTCTCCTGCCAGTGAGGAAAGAAACGCGGCTCGGGG[C>A]GCACACTGCTTGCTGTTAGGGAGCAGAAGCAGAGGTAAGCATCGCCACAGCAAAACATGT-3'
Protein context (NP_000193.1, residues 75-95): QNAFAQQAVC[Ala85Ser]PSRVSFLTGR

ClinVar aggregate classification (germline): Pathogenic/Likely pathogenic. Review status: criteria provided, multiple submitters, no conflicts (2 of 4 stars). 2 submissions from 2 submitters: Pathogenic (1); Likely pathogenic (1). Last evaluated 2024-12-26.

Conditions:
Mucopolysaccharidosis, MPS-II (MPS2). Also called: Hunter Syndrome; IDURONATE 2-SULFATASE DEFICIENCY; Mucopolysaccharidosis Type II; Mucopolysaccharidosis type 2; Attenuated MPS (subtype; formerly known as mild MPS II); Severe MPS II. Identifiers: Orphanet 580, Orphanet 79388, MedGen C0026705, MONDO:0010674, OMIM 309900.

Submissions (2):

Women's Health and Genetics/Laboratory Corporation of America, LabCorp
Classification: Likely pathogenic for Mucopolysaccharidosis, MPS-II. Last evaluated: 2024-12-26. Review status: criteria provided, single submitter. Criteria: LabCorp Variant Classification Summary - May 2015. Collection method: clinical testing. Allele origin: germline.
Comment: Variant summary: IDS c.253G>T (p.Ala85Ser) results in a conservative amino acid change in the encoded protein sequence. Three of five in-silico tools predict a damaging effect of the variant on protein function. The variant was absent in 110674 control chromosomes (gnomAD). c.253G>T has been reported in the literature in individuals affected with Mucopolysaccharidosis Type II (Hunter Syndrome) (Froissart_1998, Froissart_2007, Semyachkina_2021). These data indicate that the variant may be associated with disease. A different variant affecting the same codon has been classified as pathogenic by our lab (c.253G>A, p.Ala85Thr), supporting the critical relevance of codon 85 to IDS protein function. To our knowledge, no experimental evidence demonstrating an impact on protein function has been reported. The following publications have been ascertained in the context of this evaluation (PMID: 15614569, 17391447, 9660053, 33676511). ClinVar contains an entry for this variant (Variation ID: 3255632). Based on the evidence outlined above, the variant was classified as likely pathogenic.

Laboratory of Diagnosis and Therapy of Lysosomal Disorders, University of Padova
Classification: Pathogenic for Mucopolysaccharidosis, MPS-II. Last evaluated: 2024-06-07. Review status: criteria provided, single submitter. Criteria: ACMG Guidelines, 2015. Collection method: literature only. Allele origin: germline. Affected: yes. Observed: 2 variant alleles.
Comment: Absent from controls (or at low frequency) in gnomAD database (PM2_Moderate), Missense change at the same amino acid residue as a pathogenic variant (PM5_Moderate), Missense variant in a gene with a low rate of benign missense variation (PP2_Supporting), Multiple lines of computational evidence support a deleterious effect (PP3_Supporting), Patient’s phenotype or family history highly specific for the disease (PP4_Strong)

Classification method: ACMG Guidelines [PMID:25741868] with modifications

Literature cited by the submitters: PubMed 15614569 (cited by Women's Health and Genetics/Laboratory Corporation of America, LabCorp); PubMed 17391447 (cited by Women's Health and Genetics/Laboratory Corporation of America, LabCorp); PubMed 9660053 (cited by Women's Health and Genetics/Laboratory Corporation of America, LabCorp and Laboratory of Diagnosis and Therapy of Lysosomal Disorders, University of Padova); PubMed 33676511 (cited by Women's Health and Genetics/Laboratory Corporation of America, LabCorp and Laboratory of Diagnosis and Therapy of Lysosomal Disorders, University of Padova).